The following is an entry in ClinVar:

NM_001364905.1(LRBA):c.3319GAT[2] (p.Asp1109del)

Gene: LRBA (LPS responsive beige-like anchor protein; minus strand). Cytogenetic location: 4q31.3.
Variant type: Microsatellite.
Coding change: c.3319GAT[2] on transcript NM_001364905.1 (MANE Select); two copies in a row of the 3-base unit GAT starting at c.3319; the reference has three copies in a row; one copy, 3 bases deleted.
Protein change: p.Asp1109del; deletes aspartic acid 1109.
Molecular consequence: inframe deletion. On other transcripts: inframe indel (2).
Genome position (GRCh38, 1-based): chr4:150,852,383-150,852,385, ATC deleted on the plus strand (GAT on the coding strand, the reverse complement: LRBA is on the minus strand); deleting any 3 consecutive bases within chr4:150,852,383-150,852,391 gives the same sequence; the position shown is the placement nearest the transcript's 3' end. VCF-style (leftmost placement, unchanged base first): chr4-150852382-AATC-A. GRCh37 (hg19) VCF-style: chr4-151773534-AATC-A.
Other names: c.3319_3321GAT[2], p.Asp1109del (NM_001199282.3, NM_006726.5); c.3319GAT[2], p.Asp1109del (NM_001367550.1); short protein forms D1109del.
Identifiers: ClinVar variation 1489043 (VCV001489043.8), dbSNP rs2126921723, ClinGen allele CA2580616787.

ClinVar aggregate classification (germline): Uncertain significance (1 of 4 stars; one submission).

Conditions:
Combined immunodeficiency due to LRBA deficiency. Also called: Common variable immunodeficiency 8, with autoimmunity. Identifiers: Orphanet 445018, MedGen C3553512, MONDO:0013863, OMIM 614700.

Submission:

Labcorp Genetics (formerly Invitae), Labcorp
Classification: Uncertain significance for Combined immunodeficiency due to LRBA deficiency. Last evaluated: 2024-11-11. Review status: criteria provided, single submitter. Criteria: Invitae Variant Classification Sherloc (09022015). Collection method: clinical testing. Allele origin: germline.
Comment: This variant, c.3325_3327del, results in the deletion of 1 amino acid(s) of the LRBA protein (p.Asp1109del), but otherwise preserves the integrity of the reading frame. This variant is not present in population databases (gnomAD no frequency). This variant has not been reported in the literature in individuals affected with LRBA-related conditions. Experimental studies and prediction algorithms are not available or were not evaluated, and the functional significance of this variant is currently unknown. In summary, the available evidence is currently insufficient to determine the role of this variant in disease. Therefore, it has been classified as a Variant of Uncertain Significance.